The following is an entry in ClinVar:

NM_001101362.3(KBTBD13):c.1333C>T (p.Pro445Ser)

Gene: KBTBD13 (kelch repeat and BTB domain containing 13; plus strand). Cytogenetic location: 15q22.31.
Variant type: single nucleotide variant.
Coding change: c.1333C>T on transcript NM_001101362.3 (MANE Select); coding-DNA position 1333, C replaced by T.
Protein change: p.Pro445Ser; replaces proline 445 with serine.
Molecular consequence: missense variant.
Genome position (GRCh38, 1-based): chr15:65,078,148, C>T. VCF-style: chr15-65078148-C-T. GRCh37 (hg19) VCF-style: chr15-65370486-C-T.
Other names: short protein forms P445S.
Identifiers: ClinVar variation 1045340 (VCV001045340.10), dbSNP rs778885479, ClinGen allele CA7614124.

ClinVar aggregate classification (germline): Uncertain significance (1 of 4 stars; one submission).

Conditions:
Nemaline myopathy 6 (NEM6). Also called: Nemaline myopathy 6, autosomal dominant. Identifiers: Orphanet 171439, MedGen C1836472, MONDO:0012237, OMIM 609273.

Allele frequency attached by ClinVar (database versions not stated): ExAC below 0.00001; gnomAD exomes 0.00001; TOPMed 0.00003; gnomAD 0.00005.

Submission:

Labcorp Genetics (formerly Invitae), Labcorp
Classification: Uncertain significance for Nemaline myopathy 6. Last evaluated: 2023-09-09. Review status: criteria provided, single submitter. Criteria: Invitae Variant Classification Sherloc (09022015). Collection method: clinical testing. Allele origin: germline.
Comment: The frequency data for this variant in the population databases is considered unreliable, as metrics indicate poor data quality at this position in the gnomAD database. In summary, the available evidence is currently insufficient to determine the role of this variant in disease. Therefore, it has been classified as a Variant of Uncertain Significance. Algorithms developed to predict the effect of missense changes on protein structure and function output the following: SIFT: "Not Available"; PolyPhen-2: "Benign"; Align-GVGD: "Not Available". The serine amino acid residue is found in multiple mammalian species, which suggests that this missense change does not adversely affect protein function. ClinVar contains an entry for this variant (Variation ID: 1045340). This variant has not been reported in the literature in individuals affected with KBTBD13-related conditions. This sequence change replaces proline, which is neutral and non-polar, with serine, which is neutral and polar, at codon 445 of the KBTBD13 protein (p.Pro445Ser).